The following is an entry in ClinVar:

NM_001366521.1(ATP2B1):c.2641C>A (p.Pro881Thr)

Gene: ATP2B1 (ATPase plasma membrane Ca2+ transporting 1; minus strand). Cytogenetic location: 12q21.33.
Variant type: single nucleotide variant.
Coding change: c.2641C>A on transcript NM_001366521.1 (MANE Select); coding-DNA position 2641, C replaced by A.
Protein change: p.Pro881Thr; replaces proline 881 with threonine.
Molecular consequence: missense variant.
Genome position (GRCh38, 1-based): chr12:89,603,919, G>T on the plus strand (C>A on the coding strand, the complement: ATP2B1 is on the minus strand). VCF-style: chr12-89603919-G-T. GRCh37 (hg19) VCF-style: chr12-89997696-G-T.
Other names: c.2641C>A, p.Pro881Thr (NM_001001323.2, NM_001366520.1, NM_001366522.1 and 12 more transcripts); c.2443C>A, p.Pro815Thr (NM_001413053.1, NM_001366530.1); c.2398C>A, p.Pro800Thr (NM_001413054.1); c.2500C>A, p.Pro834Thr (NM_001413055.1, NM_001413051.1, NM_001413052.1); c.2386C>A, p.Pro796Thr (NM_001413056.1); c.2188C>A, p.Pro730Thr (NM_001413057.1); c.2080C>A, p.Pro694Thr (NM_001413058.1, NM_001413059.1, NM_001413060.1 and 2 more transcripts); c.2602C>A, p.Pro868Thr (NM_001413048.1); short protein forms P815T, P881T, P730T, P800T, P834T, P868T, P694T, P796T.
Identifiers: ClinVar variation 1810713 (VCV001810713.2), dbSNP rs2540798892, ClinGen allele CA386003399.
Genomic context (GRCh38, chr12:89,603,919, plus strand): 5'-CCAGGGAAGCGAGTGTATCCATTATGAGGTTTACCCACAGCATCTGCACAGCCTTAAGCG[G>T]TGAGTCCTAGAAAAGATATGTTTCCTAATAGACATTCACAACTACTCAGGGGCTCAGCAA-3'
Protein context (NP_001353450.1, residues 871-891): FTGACITQDS[Pro881Thr]LKAVQMLWVN

ClinVar aggregate classification (germline): Uncertain significance (1 of 4 stars; one submission).

Submission:

GeneDx
Classification: Uncertain significance. Last evaluated: 2026-06-02. Review status: criteria provided, single submitter. Criteria: GeneDx Variant Classification Process June 2021. Collection method: clinical testing. Allele origin: germline.
Comment: Not observed at significant frequency in large population cohorts (gnomAD); In silico analysis supports that this missense variant has a deleterious effect on protein structure/function; Has not been previously published as pathogenic or benign to our knowledge